The following is an entry in ClinVar:

ClinVar aggregate classification (germline): Uncertain significance (1 of 4 stars; one submission).

Conditions:
Primary dilated cardiomyopathy (DCM). Also called: Dilated Cardiomyopathy. Identifiers: Orphanet 217604, MedGen C0007193, MeSH D002311, MONDO:0005021, HP:0001644. Inheritance: Various modes of inheritance.

Allele frequency attached by ClinVar (database versions not stated): ExAC 0.00008; ESP Exome Variant Server 0.00015; gnomAD exomes 0.00002; TOPMed 0.00008; gnomAD 0.00009.
gnomAD v4.1: 42 of 1,613,866 alleles (0.0026%); highest among the groups gnomAD compares: African/African-American, 0.028%; no homozygotes.

Submission:

Labcorp Genetics (formerly Invitae), Labcorp
Classification: Uncertain significance for Primary dilated cardiomyopathy. Last evaluated: 2025-09-23. Review status: criteria provided, single submitter. Criteria: Invitae Variant Classification Sherloc (09022015). Collection method: clinical testing. Allele origin: germline.
Comment: This sequence change affects codon 229 of the FHL2 mRNA. It is a 'silent' change, meaning that it does not change the encoded amino acid sequence of the FHL2 protein. It affects a nucleotide within the consensus splice site. This variant is present in population databases (rs369765217, gnomAD 0.05%), and has an allele count higher than expected for a pathogenic variant. This variant has not been reported in the literature in individuals affected with FHL2-related conditions. ClinVar contains an entry for this variant (Variation ID: 2915224). Algorithms developed to predict the effect of sequence changes on RNA splicing suggest that this variant is not likely to affect RNA splicing. In summary, the available evidence is currently insufficient to determine the role of this variant in disease. Therefore, it has been classified as a Variant of Uncertain Significance.

NM_001318895.3(FHL2):c.687C>T (p.Ser229=)

Genes: C2orf49 (chromosome 2 open reading frame 49; plus strand), FHL2 (four and a half LIM domains 2; minus strand). Cytogenetic location: 2q12.2.
Variant type: single nucleotide variant.
Coding change: c.687C>T on transcript NM_001318895.3 (MANE Select); coding-DNA position 687, C replaced by T.
Protein change: p.Ser229=; no amino-acid change (serine 229 retained).
Molecular consequence: synonymous variant.
Genome position (GRCh38, 1-based): chr2:105,363,286, G>A on the plus strand (C>T on the coding strand, the complement: FHL2 is on the minus strand). VCF-style: chr2-105363286-G-A. GRCh37 (hg19) VCF-style: chr2-105979743-G-A.
Other names: c.687C>T, p.Ser229= (NM_001039492.3, NM_001318894.1, NM_001318896.2 and 4 more transcripts); c.345C>T, p.Ser115= (NM_001318897.2, NM_001318898.2); c.363C>T, p.Ser121= (NM_001318899.2).
Identifiers: ClinVar variation 2915224 (VCV002915224.3), dbSNP rs369765217, ClinGen allele CA1814687.